The following is an entry in ClinVar:

ClinVar aggregate classification (germline): Pathogenic (1 of 4 stars; one submission).

Conditions:
Spastic paraplegia. Identifiers: MedGen C0037772, HP:0001258.

Submission:

Labcorp Genetics (formerly Invitae), Labcorp
Classification: Pathogenic for Spastic paraplegia. Last evaluated: 2022-02-23. Review status: criteria provided, single submitter. Criteria: Invitae Variant Classification Sherloc (09022015). Collection method: clinical testing. Allele origin: germline.
Comment: This variant is not present in population databases (gnomAD no frequency). This sequence change creates a premature translational stop signal (p.Asp511Valfs*13) in the SACS gene. It is expected to result in an absent or disrupted protein product. Loss-of-function variants in SACS are known to be pathogenic (PMID: 18465152, 20876471). This variant has not been reported in the literature in individuals affected with SACS-related conditions. For these reasons, this variant has been classified as Pathogenic.

Literature cited by the submitters: PubMed 18465152; PubMed 20876471.

NM_014363.6(SACS):c.1531_1532insT (p.Asp511fs)

Gene: SACS (sacsin molecular chaperone; minus strand). Cytogenetic location: 13q12.12.
Variant type: Insertion.
Coding change: c.1531_1532insT on transcript NM_014363.6 (MANE Select); coding-DNA positions 1531 to 1532, T inserted.
Protein change: p.Asp511fs; shifts the reading frame from aspartic acid 511.
Molecular consequence: frameshift variant.
Genome position: GRCh38 VCF-style: chr13-23355080-T-TA. GRCh37 (hg19) VCF-style: chr13-23929219-T-TA.
Other names: c.1090_1091insT, p.Asp364fs (NM_001278055.2); short protein forms D364fs, D511fs.
Identifiers: ClinVar variation 2102267 (VCV002102267.4), dbSNP rs2542395816, ClinGen allele CA2580086858.